The following is an entry in ClinVar:

NM_001148.6(ANK2):c.4782T>G (p.Ile1594Met)

Gene: ANK2 (ankyrin 2; plus strand). Cytogenetic location: 4q26.
Variant type: single nucleotide variant.
Coding change: c.4782T>G on transcript NM_001148.6 (MANE Select); coding-DNA position 4782, T replaced by G.
Protein change: p.Ile1594Met; replaces isoleucine 1594 with methionine.
Molecular consequence: missense variant. On other transcripts: intron variant (68).
Genome position (GRCh38, 1-based): chr4:113,353,400, T>G. VCF-style: chr4-113353400-T-G. GRCh37 (hg19) VCF-style: chr4-114274556-T-G.
Other names: c.4548T>G, p.Ile1516Met (NM_001386142.1); c.1182T>G, p.Ile394Met (NM_001386166.1); c.4923T>G, p.Ile1641Met (NM_001386174.1); c.4899T>G, p.Ile1633Met (NM_001386175.1); c.4411+3151T>G (NM_001386186.2, NM_001386148.2); c.4213+3151T>G (NM_001354269.3); c.4291+3151T>G (NM_001386187.2); c.4252+3151T>G (NM_001386147.1); and 35 more; short protein forms I1594M, I1516M, I1633M, I1641M, I394M.
Identifiers: ClinVar variation 426274 (VCV000426274.13), dbSNP rs775386505, ClinGen allele CA3051142.
Genomic context (GRCh38, chr4:113,353,400, plus strand): 5'-TGAAAGCAGTGTGCAGAGCTCTCGGTCTGAGAGAGGATTAGTTGAAGAGGAATGGGTTAT[T>G]GTCAGTGATGAGGAAATAGAAGAGGCTAGGCAAAAAGCACCTTTAGAAATCACTGAATAT-3'
Protein context (NP_001139.3, residues 1584-1604): ERGLVEEEWV[Ile1594Met]VSDEEIEEAR

ClinVar aggregate classification (germline): Likely benign. Review status: criteria provided, multiple submitters, no conflicts (2 of 4 stars). 3 submissions from 3 submitters: Likely benign (3). Last evaluated 2025-11-11.

Conditions:
Cardiovascular phenotype. Identifiers: MedGen CN230736.
Long QT syndrome (LQTS). Identifiers: MedGen C0023976, MeSH D008133, MONDO:0002442. Disease mechanism: loss of function. Inheritance: Various modes of inheritance.

Allele frequency attached by ClinVar (database versions not stated): TOPMed 0.00007; gnomAD exomes 0.00016 and 0.00007; ExAC 0.00017; gnomAD 0.00003.
gnomAD v4.1: 47 of 1,613,972 alleles (0.0029%); highest among the groups gnomAD compares: Admixed American, 0.078%; no homozygotes.

Submissions (3):

Labcorp Genetics (formerly Invitae), Labcorp
Classification: Likely benign for Long QT syndrome. Last evaluated: 2025-11-11. Review status: criteria provided, single submitter. Criteria: Invitae Variant Classification Sherloc (09022015). Collection method: clinical testing. Allele origin: germline.

GeneDx
Classification: Likely benign. Last evaluated: 2020-03-18. Review status: criteria provided, single submitter. Criteria: GeneDx Variant Classification Process June 2021. Collection method: clinical testing. Allele origin: germline. Affected: yes.
Comment: In silico analysis supports that this missense variant does not alter protein structure/function; Has not been previously published as pathogenic or benign to our knowledge

Ambry Genetics
Classification: Likely benign for Cardiovascular phenotype. Last evaluated: 2017-04-07. Review status: criteria provided, single submitter. Criteria: Ambry Variant Classification Scheme 2023. Collection method: clinical testing. Allele origin: germline.

Literature cited by the submitters: PubMed 17242276 (cited by Ambry Genetics).